The following is an entry in ClinVar:

NM_000465.4(BARD1):c.2113A>T (p.Arg705Ter)

Gene: BARD1 (BRCA1 associated RING domain 1; minus strand). Cytogenetic location: 2q35.
Variant type: single nucleotide variant.
Coding change: c.2113A>T on transcript NM_000465.4 (MANE Select); coding-DNA position 2113, A replaced by T.
Protein change: p.Arg705Ter; replaces arginine 705 with a stop codon.
Molecular consequence: nonsense. On other transcripts: non-coding transcript variant (3).
Genome position (GRCh38, 1-based): chr2:214,728,897, T>A on the plus strand (A>T on the coding strand, the complement: BARD1 is on the minus strand). VCF-style: chr2-214728897-T-A. GRCh37 (hg19) VCF-style: chr2-215593621-T-A.
Other names: c.2056A>T, p.Arg686Ter (NM_001282543.2); c.760A>T, p.Arg254Ter (NM_001282545.2); c.703A>T, p.Arg235Ter (NM_001282548.2); c.574A>T, p.Arg192Ter (NM_001282549.2); short protein forms R705*, R254*, R686*, R192*, R235*.
Identifiers: ClinVar variation 449955 (VCV000449955.5), dbSNP rs1064795005, ClinGen allele CA350450595.

ClinVar aggregate classification (germline): Pathogenic/Likely pathogenic. Review status: criteria provided, multiple submitters, no conflicts (2 of 4 stars). 3 submissions from 3 submitters: Pathogenic (1); Likely pathogenic (2). Last evaluated 2026-07-28.

Conditions:
Familial cancer of breast. Also called: BREAST CANCER, FAMILIAL; Hereditary breast cancer; hereditary breast carcinoma. Identifiers: Orphanet 227535, MedGen C0346153, MONDO:0016419, OMIM 114480. Disease mechanism: loss of function.

Submissions (3):

Myriad Genetics, Inc.
Classification: Pathogenic for Familial cancer of breast. Last evaluated: 2026-07-28. Review status: criteria provided, single submitter. Criteria: Myriad Autosomal Dominant, Autosomal Recessive and X-Linked Classification Criteria (2023). Collection method: clinical testing. Allele origin: unknown.
Comment: This variant is considered pathogenic. This variant creates a termination codon and is predicted to result in premature protein truncation.

Labcorp Genetics (formerly Invitae), Labcorp
Classification: Likely pathogenic for Familial cancer of breast. Last evaluated: 2024-06-05. Review status: criteria provided, single submitter. Criteria: Invitae Variant Classification Sherloc (09022015). Collection method: clinical testing. Allele origin: germline.
Comment: This sequence change creates a premature translational stop signal (p.Arg705*) in the BARD1 gene. While this is not anticipated to result in nonsense mediated decay, it is expected to disrupt the last 73 amino acid(s) of the BARD1 protein. This variant is not present in population databases (gnomAD no frequency). This variant has not been reported in the literature in individuals affected with BARD1-related conditions. ClinVar contains an entry for this variant (Variation ID: 449955). This variant disrupts the C-terminal BRCT domain of BARD1 protein, which is required for chromosome stability and homology-directed repair (PMID: 17848578). A different variant (p.Val767fs) that lies downstream of this variant has been reported to affect BARD1 protein function (PMID: 30925164), this suggests that disruption of this region of the protein is causative of disease. In summary, the currently available evidence indicates that the variant is pathogenic, but additional data are needed to prove that conclusively. Therefore, this variant has been classified as Likely Pathogenic.

GeneDx
Classification: Likely pathogenic. Last evaluated: 2017-04-28. Review status: criteria provided, single submitter. Criteria: GeneDx Variant Classification (06012015). Collection method: clinical testing. Allele origin: germline. Affected: yes.
Comment: This variant is denoted BARD1 c.2113A>T at the cDNA level and p.Arg705Ter (R705X) at the protein level. The substitution creates a nonsense variant, which changes an Arginine to a premature stop codon (AGA>TGA), and is predicted to cause loss of normal protein function through protein truncation. Even though this frameshift occurs near the end of the gene and nonsense-mediated decay is not expected to occur, it is significant since the last 73 amino acids are no longer translated. Furthermore, the truncation would disrupt the BRCT2 domain (Fox 2008). Although this variant has not, to our knowledge, been reported in the literature, it is considered likely pathogenic.

Literature cited by the submitters: PubMed 17848578 (cited by Labcorp Genetics (formerly Invitae), Labcorp); PubMed 30925164 (cited by Labcorp Genetics (formerly Invitae), Labcorp).